The following is an entry in ClinVar:

ClinVar aggregate classification (germline): Uncertain significance (1 of 4 stars; one submission).

Allele frequency attached by ClinVar (database versions not stated): gnomAD exomes below 0.00001.
gnomAD v4.1: 1 of 1,604,038 alleles (0.000062%); highest among the groups gnomAD compares: Non-Finnish European, 0.000085%; no homozygotes.

Submission:

GeneDx
Classification: Uncertain significance. Last evaluated: 2026-03-31. Review status: criteria provided, single submitter. Criteria: GeneDx Variant Classification Process June 2021. Collection method: clinical testing. Allele origin: germline. Affected: yes.
Comment: Not observed at significant frequency in large population cohorts (gnomAD); Canonical splice site variant in a gene or region of a gene for which loss of function is not a well-established mechanism of disease; Has not been previously published as pathogenic or benign to our knowledge

NM_012470.4(TNPO3):c.396-1G>C

Gene: TNPO3 (transportin 3; minus strand). Cytogenetic location: 7q32.1.
Variant type: single nucleotide variant.
Coding change: c.396-1G>C on transcript NM_012470.4 (MANE Select); the canonical splice acceptor site of the intron before coding-DNA position 396, G replaced by C.
Molecular consequence: splice acceptor variant.
Genome position (GRCh38, 1-based): chr7:129,015,136, C>G on the plus strand (G>C on the coding strand, the complement: TNPO3 is on the minus strand). VCF-style: chr7-129015136-C-G. GRCh37 (hg19) VCF-style: chr7-128655190-C-G.
Other names: c.396-1G>C (NM_001382221.1, NM_001382222.1, NM_001382219.1 and 5 more transcripts); c.477-1G>C (NM_001382217.1).
Identifiers: ClinVar variation 2429572 (VCV002429572.2), dbSNP rs2536399600, ClinGen allele CA369246923.